The following is an entry in ClinVar:

NM_004656.4(BAP1):c.1116+5G>A

Gene: BAP1 (BRCA1 associated deubiquitinase 1; minus strand). Cytogenetic location: 3p21.1.
Variant type: single nucleotide variant.
Coding change: c.1116+5G>A on transcript NM_004656.4 (MANE Select); 5 bases into the intron after coding-DNA position 1116, G replaced by A.
Molecular consequence: intron variant.
Genome position (GRCh38, 1-based): chr3:52,405,105, C>T on the plus strand (G>A on the coding strand, the complement: BAP1 is on the minus strand). VCF-style: chr3-52405105-C-T. GRCh37 (hg19) VCF-style: chr3-52439121-C-T.
Identifiers: ClinVar variation 919777 (VCV000919777.7), dbSNP rs1705105492, ClinGen allele CA913188177.
Genomic context (GRCh38, chr3:52,405,105, plus strand): 5'-AATTGCCTGTTGCAGCCTCTCAAGAGAATCAAGTAGAGAATCCTGCAAGGGTGCTCCCAG[C>T]TTACCTGCATGGGGGACTTGGCATAATTGTGATTGTCTAGAAAGGCCGGCAGCCGCTGGA-3'

ClinVar aggregate classification (germline): Uncertain significance. Review status: criteria provided, multiple submitters, no conflicts (2 of 4 stars). 2 submissions from 2 submitters: Uncertain significance (2). Last evaluated 2022-11-05.

Conditions:
Hereditary cancer-predisposing syndrome. Also called: Neoplastic Syndromes, Hereditary; Tumor predisposition; Hereditary Cancer Syndrome; Hereditary neoplastic syndrome. Identifiers: Orphanet 140162, MedGen C0027672, MeSH D009386, MONDO:0015356.
BAP1-related tumor predisposition syndrome (TPDS1). Also called: Tumor susceptibility linked to germline BAP1 mutations; COMMON Syndrome; TUMOR PREDISPOSITION SYNDROME 1; BAP1 tumor predisposition syndrome. Identifiers: Orphanet 289539, MedGen C3280492, MONDO:0013692, OMIM 614327.

Submissions (2):

Labcorp Genetics (formerly Invitae), Labcorp
Classification: Uncertain significance for BAP1-related tumor predisposition syndrome. Last evaluated: 2022-11-05. Review status: criteria provided, single submitter. Criteria: Invitae Variant Classification Sherloc (09022015). Collection method: clinical testing. Allele origin: germline.
Comment: This sequence change falls in intron 11 of the BAP1 gene. It does not directly change the encoded amino acid sequence of the BAP1 protein. It affects a nucleotide within the consensus splice site. This variant is not present in population databases (gnomAD no frequency). This variant has not been reported in the literature in individuals affected with BAP1-related conditions. ClinVar contains an entry for this variant (Variation ID: 919777). Variants that disrupt the consensus splice site are a relatively common cause of aberrant splicing (PMID: 17576681, 9536098). Studies have shown that this variant is associated with altered splicing resulting in unknown protein product impact (Invitae). In summary, the available evidence is currently insufficient to determine the role of this variant in disease. Therefore, it has been classified as a Variant of Uncertain Significance.

Color Diagnostics, LLC DBA Color Health
Classification: Uncertain significance for Hereditary cancer-predisposing syndrome. Last evaluated: 2019-03-01. Review status: criteria provided, single submitter. Criteria: ACMG Guidelines, 2015. Collection method: clinical testing. Allele origin: germline.

Literature cited by the submitters: PubMed 17576681 (cited by Labcorp Genetics (formerly Invitae), Labcorp); PubMed 9536098 (cited by Labcorp Genetics (formerly Invitae), Labcorp).